The following is an entry in ClinVar:

NM_000181.4(GUSB):c.1430G>A (p.Arg477Gln)

Gene: GUSB (glucuronidase beta; minus strand). Cytogenetic location: 7q11.21.
Variant type: single nucleotide variant.
Coding change: c.1430G>A on transcript NM_000181.4 (MANE Select); coding-DNA position 1430, G replaced by A.
Protein change: p.Arg477Gln; replaces arginine 477 with glutamine.
Molecular consequence: missense variant.
Genome position (GRCh38, 1-based): chr7:65,970,328, C>T on the plus strand (G>A on the coding strand, the complement: GUSB is on the minus strand). VCF-style: chr7-65970328-C-T. GRCh37 (hg19) VCF-style: chr7-65435315-C-T.
Other names: c.992G>A, p.Arg331Gln (NM_001284290.2); c.860G>A, p.Arg287Gln (NM_001293104.2); c.773G>A, p.Arg258Gln (NM_001293105.2); short protein forms R477Q, R258Q, R287Q, R331Q.
Identifiers: ClinVar variation 2195370 (VCV002195370.1), dbSNP rs771017036, ClinGen allele CA4276269.
Genomic context (GRCh38, chr7:65,970,328, plus strand): 5'-ACCCCCAGGCTCACCCCCTTGTCTGCTGCATAGTTAGAGTTGCTCACAAAGGTCACAGGC[C>T]GGGAGGGGTCCAAGGATTTGGTGTGAGCGATCACCATCCTGTCCACAAAAGGCAGAAGAA-3'
Protein context (NP_000172.2, residues 467-487): IAHTKSLDPS[Arg477Gln]PVTFVSNSNY

ClinVar aggregate classification (germline): Uncertain significance (1 of 4 stars; one submission).

Conditions:
Mucopolysaccharidosis type 7 (MPS7). Also called: SLY SYNDROME; MPS VII; BETA-GLUCURONIDASE DEFICIENCY; GUSB DEFICIENCY. Identifiers: Orphanet 584, MedGen C0085132, MONDO:0009662, OMIM 253220.

Allele frequency attached by ClinVar (database versions not stated): gnomAD exomes below 0.00001; TOPMed below 0.00001; ExAC 0.00001.
gnomAD v4.1: 6 of 1,613,296 alleles (0.00037%); highest among the groups gnomAD compares: East Asian, 0.0022%; no homozygotes.

Submission:

Labcorp Genetics (formerly Invitae), Labcorp
Classification: Uncertain significance for Mucopolysaccharidosis type 7. Last evaluated: 2022-03-01. Review status: criteria provided, single submitter. Criteria: Invitae Variant Classification Sherloc (09022015). Collection method: clinical testing. Allele origin: germline.
Comment: This sequence change replaces arginine, which is basic and polar, with glutamine, which is neutral and polar, at codon 477 of the GUSB protein (p.Arg477Gln). This variant is present in population databases (rs771017036, gnomAD 0.0009%). This variant has not been reported in the literature in individuals affected with GUSB-related conditions. Algorithms developed to predict the effect of missense changes on protein structure and function are either unavailable or do not agree on the potential impact of this missense change (SIFT: "Deleterious"; PolyPhen-2: "Probably Damaging"; Align-GVGD: "Class C0"). In summary, the available evidence is currently insufficient to determine the role of this variant in disease. Therefore, it has been classified as a Variant of Uncertain Significance.